The following is an entry in ClinVar:

ClinVar aggregate classification (germline): Uncertain significance. Review status: criteria provided, multiple submitters, no conflicts (2 of 4 stars). 2 submissions from 2 submitters: Uncertain significance (2). Last evaluated 2026-08-12.

Conditions:
Inborn genetic diseases. Identifiers: MedGen C0950123, MeSH D030342.
Developmental and epileptic encephalopathy, 2 (DEE2). Also called: INFANTILE SPASM SYNDROME, X-LINKED 2; CDKL5 deficiency disorder. Identifiers: Orphanet 1934, Orphanet 3451, Orphanet 505652, MedGen C4750718, MONDO:0010396, OMIM 300672.
Angelman syndrome-like. Identifiers: MedGen CN128785.

gnomAD v4.1: 1 of 1,212,004 alleles (0.000083%); highest among the groups gnomAD compares: African/African-American, 0.0017%; no homozygotes.

Submissions (2):

Ambry Genetics
Classification: Uncertain significance for Inborn genetic diseases. Last evaluated: 2026-08-12. Review status: criteria provided, single submitter. Criteria: Ambry Variant Classification Scheme 2023. Collection method: clinical testing. Allele origin: germline.

Labcorp Genetics (formerly Invitae), Labcorp
Classification: Uncertain significance for Developmental and epileptic encephalopathy, 2; Angelman syndrome-like. Last evaluated: 2024-03-15. Review status: criteria provided, single submitter. Criteria: Invitae Variant Classification Sherloc (09022015). Collection method: clinical testing. Allele origin: germline.
Comment: This sequence change replaces tyrosine, which is neutral and polar, with cysteine, which is neutral and slightly polar, at codon 704 of the CDKL5 protein (p.Tyr704Cys). This variant is not present in population databases (gnomAD no frequency). This variant has not been reported in the literature in individuals affected with CDKL5-related conditions. Advanced modeling of protein sequence and biophysical properties (such as structural, functional, and spatial information, amino acid conservation, physicochemical variation, residue mobility, and thermodynamic stability) performed at Invitae indicates that this missense variant is not expected to disrupt CDKL5 protein function with a negative predictive value of 95%. In summary, the available evidence is currently insufficient to determine the role of this variant in disease. Therefore, it has been classified as a Variant of Uncertain Significance.

NM_001323289.2(CDKL5):c.2111A>G (p.Tyr704Cys)

Gene: CDKL5 (cyclin dependent kinase like 5; plus strand). Cytogenetic location: Xp22.13.
Variant type: single nucleotide variant.
Coding change: c.2111A>G on transcript NM_001323289.2 (MANE Select); coding-DNA position 2111, A replaced by G.
Protein change: p.Tyr704Cys; replaces tyrosine 704 with cysteine.
Molecular consequence: missense variant.
Genome position (GRCh38, 1-based): chrX:18,609,529, A>G. VCF-style: chrX-18609529-A-G. GRCh37 (hg19) VCF-style: chrX-18627649-A-G.
Other names: c.2111A>G (NM_003159.2); c.2111A>G, p.Tyr704Cys (NM_001037343.2, NM_003159.3); short protein forms Y704C.
Identifiers: ClinVar variation 3753779 (VCV003753779.3).